The following is an entry in ClinVar:

NM_000153.4(GALC):c.187_195+10dup

Genes: GALC (galactosylceramidase; minus strand), LOC130056217 (ATAC-STARR-seq lymphoblastoid silent region 5988; plus strand). Cytogenetic location: 14q31.3.
Variant type: Duplication.
Coding change: c.187_195+10dup on transcript NM_000153.4 (MANE Select); coding-DNA position 187 through 10 bases into the intron after coding-DNA position 195, 19 bases duplicated (GGCGGCGGGGTGAGCGGCA).
Molecular consequence: splice donor variant. On other transcripts: intron variant (1).
Genome position (GRCh38, 1-based): chr14:87,992,960-87,992,978, TGCCGCTCACCCCGCCGCC duplicated on the plus strand (GGCGGCGGGGTGAGCGGCA on the coding strand, the reverse complement: GALC is on the minus strand). VCF-style (leftmost placement, unchanged base first): chr14-87992959-T-TTGCCGCTCACCCCGCCGCC. GRCh37 (hg19) VCF-style: chr14-88459303-T-TTGCCGCTCACCCCGCCGCC.
Other names: c.117+405_117+423dup (NM_001201402.2); c.187_195+10dup (NM_001201401.2).
Identifiers: ClinVar variation 1878336 (VCV001878336.3), dbSNP rs1567019260, ClinGen allele CA615657775.

ClinVar aggregate classification (germline): Uncertain significance. Review status: criteria provided, multiple submitters, no conflicts (2 of 4 stars). 2 submissions from 2 submitters: Uncertain significance (2). Last evaluated 2024-03-21.

Conditions:
Galactosylceramide beta-galactosidase deficiency. Also called: Krabbe Disease; Leukodystrophy, Globoid Cell; GALACTOCEREBROSIDASE DEFICIENCY; GALC DEFICIENCY; GLOBOID CELL LEUKOENCEPHALOPATHY. Identifiers: Orphanet 487, MedGen C0023521, MONDO:0009499, OMIM 245200.

Allele frequency attached by ClinVar (database versions not stated): gnomAD exomes below 0.00001.

Submissions (2):

Labcorp Genetics (formerly Invitae), Labcorp
Classification: Uncertain significance for Galactosylceramide beta-galactosidase deficiency. Last evaluated: 2024-03-21. Review status: criteria provided, single submitter. Criteria: Invitae Variant Classification Sherloc (09022015). Collection method: clinical testing. Allele origin: germline.
Comment: This sequence change falls in intron 1 of the GALC gene. It does not directly change the encoded amino acid sequence of the GALC protein. This variant is present in population databases (no rsID available, gnomAD 0.005%). This variant has not been reported in the literature in individuals affected with GALC-related conditions. ClinVar contains an entry for this variant (Variation ID: 1878336). In summary, the available evidence is currently insufficient to determine the role of this variant in disease. Therefore, it has been classified as a Variant of Uncertain Significance.

Women's Health and Genetics/Laboratory Corporation of America, LabCorp
Classification: Uncertain significance. Last evaluated: 2022-12-19. Review status: criteria provided, single submitter. Criteria: LabCorp Variant Classification Summary - May 2015. Collection method: clinical testing. Allele origin: germline.
Comment: Variant summary: c.187_195+10dup19 results in a duplication near the intron-exon border. Several computational tools predict a significant impact on normal splicing: Four predict the variant creates a crytpic 5' donor site while slightly strenghening the cannonical splice-site. However, these predictions have yet to be confirmed by functional studies. The variant allele was found at a frequency of 8.5e-06 in 117070 control chromosomes. The available data on variant occurrences in the general population are insufficient to allow any conclusion about variant significance. To our knowledge, no occurrence of c.187_195+10dup19 in individuals affected with Krabbe Disease and no experimental evidence demonstrating its impact on protein function have been reported. No clinical diagnostic laboratories have submitted clinical-significance assessments for this variant to ClinVar after 2014. Based on the evidence outlined above, the variant was classified as uncertain significance.